The following is an entry in ClinVar:

NM_024675.4(PALB2):c.2950del (p.Leu984fs)

Gene: PALB2 (partner and localizer of BRCA2; minus strand). Cytogenetic location: 16p12.2.
Variant type: Deletion.
Coding change: c.2950del on transcript NM_024675.4 (MANE Select); coding-DNA position 2950, one base deleted (C; older notation c.2950delC).
Protein change: p.Leu984fs; shifts the reading frame from leucine 984.
Molecular consequence: frameshift variant.
Genome position (GRCh38, 1-based): chr16:23,623,015, G deleted on the plus strand (C on the coding strand, the reverse complement: PALB2 is on the minus strand); the first of 3 consecutive G bases (chr16:23,623,015-23,623,017); deleting any one gives the same sequence. VCF-style (leftmost placement, unchanged base first): chr16-23623014-AG-A. GRCh37 (hg19) VCF-style: chr16-23634335-AG-A.
Other names: c.2950delC (NM_024675.3); short protein forms L984fs.
Identifiers: ClinVar variation 921376 (VCV000921376.17), dbSNP rs1966800194, ClinGen allele CA1139664577.

ClinVar aggregate classification (germline): Pathogenic. Review status: criteria provided, multiple submitters, no conflicts (2 of 4 stars). 4 submissions from 4 submitters: Pathogenic (4). Last evaluated 2024-04-24.

Conditions:
Hereditary cancer-predisposing syndrome. Also called: Neoplastic Syndromes, Hereditary; Tumor predisposition; Hereditary Cancer Syndrome; Hereditary neoplastic syndrome. Identifiers: Orphanet 140162, MedGen C0027672, MeSH D009386, MONDO:0015356.
Familial cancer of breast. Also called: BREAST CANCER, FAMILIAL; hereditary breast carcinoma; Hereditary breast cancer. Identifiers: Orphanet 227535, MedGen C0346153, MONDO:0016419, OMIM 114480. Disease mechanism: loss of function.

Submissions (4):

Labcorp Genetics (formerly Invitae), Labcorp
Classification: Pathogenic for Familial cancer of breast. Last evaluated: 2024-04-24. Review status: criteria provided, single submitter. Criteria: Invitae Variant Classification Sherloc (09022015). Collection method: clinical testing. Allele origin: germline.
Comment: This sequence change creates a premature translational stop signal (p.Leu984Phefs*6) in the PALB2 gene. It is expected to result in an absent or disrupted protein product. Loss-of-function variants in PALB2 are known to be pathogenic (PMID: 17200668, 17200671, 17200672, 24136930, 25099575). This variant is not present in population databases (gnomAD no frequency). This variant has not been reported in the literature in individuals affected with PALB2-related conditions. ClinVar contains an entry for this variant (Variation ID: 921376). For these reasons, this variant has been classified as Pathogenic.

Color Diagnostics, LLC DBA Color Health
Classification: Pathogenic for Hereditary cancer-predisposing syndrome. Last evaluated: 2019-08-12. Review status: criteria provided, single submitter. Criteria: ACMG Guidelines, 2015. Collection method: clinical testing. Allele origin: germline.
Comment: This variant deletes 1 nucleotide in exon 9 of the PALB2 gene, creating a frameshift and premature translation stop signal. This variant is expected to result in an absent or non-functional protein product. Computational splicing tools suggest that this variant may not impact RNA splicing. To our knowledge, functional assays have not been performed for this variant nor has this variant been reported in individuals affected with hereditary cancer in the literature. This variant has not been identified in the general population by the Genome Aggregation Database (gnomAD). Loss of PALB2 function is a known mechanism of disease. Based on available evidence, this variant is classified as Pathogenic.

Ambry Genetics
Classification: Pathogenic for Hereditary cancer-predisposing syndrome. Last evaluated: 2019-07-25. Review status: criteria provided, single submitter. Criteria: Ambry Variant Classification Scheme 2023. Collection method: clinical testing. Allele origin: germline.
Comment: The c.2950delC pathogenic mutation, located in coding exon 9 of the PALB2 gene, results from a deletion of one nucleotide at nucleotide position 2950, causing a translational frameshift with a predicted alternate stop codon (p.L984Ffs*6). This alteration is expected to result in loss of function by premature protein truncation or nonsense-mediated mRNA decay. As such, this alteration is interpreted as a disease-causing mutation.

GeneDx
Classification: Pathogenic. Last evaluated: 2019-06-21. Review status: criteria provided, single submitter. Criteria: GeneDx Variant Classification Process June 2021. Collection method: clinical testing. Allele origin: germline. Affected: yes.
Comment: Frameshift variant predicted to result in protein truncation or nonsense mediated decay in a gene for which loss-of-function is a known mechanism of disease; Not observed in large population cohorts (Lek 2016); Has not been previously published as pathogenic or benign to our knowledge

Literature cited by the submitters: PubMed 17200668 (cited by Labcorp Genetics (formerly Invitae), Labcorp); PubMed 17200671 (cited by Labcorp Genetics (formerly Invitae), Labcorp); PubMed 17200672 (cited by Labcorp Genetics (formerly Invitae), Labcorp); PubMed 24136930 (cited by Labcorp Genetics (formerly Invitae), Labcorp); PubMed 25099575 (cited by Labcorp Genetics (formerly Invitae), Labcorp).